The following is an entry in ClinVar:

NM_000533.5(PLP1):c.619T>C (p.Tyr207His)

Genes: PLP1 (proteolipid protein 1; plus strand), RAB9B (RAB9B, member RAS oncogene family; minus strand). Cytogenetic location: Xq22.2.
Variant type: single nucleotide variant.
Coding change: c.619T>C on transcript NM_000533.5 (MANE Select); coding-DNA position 619, T replaced by C.
Protein change: p.Tyr207His; replaces tyrosine 207 with histidine.
Molecular consequence: missense variant.
Genome position (GRCh38, 1-based): chrX:103,787,963, T>C. VCF-style: chrX-103787963-T-C. GRCh37 (hg19) VCF-style: chrX-103042892-T-C.
Other names: c.619T>C, p.Tyr207His (NM_001128834.3); c.454T>C, p.Tyr152His (NM_001305004.1); c.514T>C, p.Tyr172His (NM_199478.3); short protein forms Y152H, Y172H, Y207H.
Identifiers: ClinVar variation 3255442 (VCV003255442.2), dbSNP rs2522315532.

ClinVar aggregate classification (germline): Likely pathogenic (1 of 4 stars; one submission).

Conditions:
Pelizaeus-Merzbacher disease. Also called: LEUKODYSTROPHY, HYPOMYELINATING, 1; Sudanophilic leukodystrophy; Pelizaeus-Merzbacher spectrum disorder; Pelizaeus-Merzbacher Disease (PMD); Pelizeaus-Merzbacher spectrum disorder. Identifiers: Orphanet 702, MedGen C0205711, MONDO:0010714, OMIM 312080, HP:0003269.

Submission:

Molecular Diagnostics Lab, Nemours Children's Health, Delaware
Classification: Likely pathogenic for Pelizaeus-Merzbacher disease. Last evaluated: 2021-12-20. Review status: criteria provided, single submitter. Criteria: ACMG Guidelines, 2015. Collection method: clinical testing. Allele origin: maternal, unknown. Inheritance: X-linked inheritance. Affected: yes and no. Observed: 3 heterozygotes, 2 hemizygotes. Clinical features observed: Nystagmus (HP:0000639), Decreased CD8+ T cell proportion (HP:0005415), Spastic diplegia (HP:0001264).
Comment: This missense variant (c.619T>C, p.Tyr207His) has not been observed in population databases (gnomAD). It has been described in the literature (PMID 19151366) in a family with several affectd members with variable presentation. Variant prediction programs support a deleterious effect on the protein, although no functional studies have been published.

Literature cited by the submitters: PubMed 19151366.